The following is an entry in ClinVar:

NM_005228.5(EGFR):c.250G>C (p.Glu84Gln)

Gene: EGFR (epidermal growth factor receptor; plus strand). Cytogenetic location: 7p11.2.
Variant type: single nucleotide variant.
Coding change: c.250G>C on transcript NM_005228.5 (MANE Select); coding-DNA position 250, G replaced by C.
Protein change: p.Glu84Gln; replaces glutamic acid 84 with glutamine.
Molecular consequence: missense variant. On other transcripts: intron variant (1).
Genome position (GRCh38, 1-based): chr7:55,143,314, G>C. VCF-style: chr7-55143314-G-C. GRCh37 (hg19) VCF-style: chr7-55211007-G-C.
Other names: c.250G>C, p.Glu84Gln (NM_001346897.2, NM_001346898.2, NM_001346899.2 and 3 more transcripts); c.91G>C, p.Glu31Gln (NM_001346900.2); c.89-12516G>C (NM_001346941.2); short protein forms E31Q, E84Q.
Identifiers: ClinVar variation 1064235 (VCV001064235.9), dbSNP rs753319070, ClinGen allele CA4265168.

ClinVar aggregate classification (germline): Uncertain significance. Review status: criteria provided, multiple submitters, no conflicts (2 of 4 stars). 3 submissions from 3 submitters: Uncertain significance (3). Last evaluated 2025-10-25.

Conditions:
Hereditary cancer-predisposing syndrome. Also called: Hereditary Cancer Syndrome; Hereditary neoplastic syndrome; Neoplastic Syndromes, Hereditary; Tumor predisposition. Identifiers: Orphanet 140162, MedGen C0027672, MeSH D009386, MONDO:0015356.
EGFR-related lung cancer (EGFR). Identifiers: MedGen CN130014.

Allele frequency attached by ClinVar (database versions not stated): TOPMed below 0.00001.
gnomAD v4.1: 8 of 1,614,194 alleles (0.0005%); highest among the groups gnomAD compares: Non-Finnish European, 0.00068%; no homozygotes.

Submissions (4):

Labcorp Genetics (formerly Invitae), Labcorp
Classification: Uncertain significance for EGFR-related lung cancer. Last evaluated: 2025-10-25. Review status: criteria provided, single submitter. Criteria: Invitae Variant Classification Sherloc (09022015). Collection method: clinical testing. Allele origin: germline.
Comment: This sequence change replaces glutamic acid, which is acidic and polar, with glutamine, which is neutral and polar, at codon 84 of the EGFR protein (p.Glu84Gln). This variant is present in population databases (rs753319070, gnomAD 0.0009%). This variant has not been reported in the literature in individuals affected with EGFR-related conditions. ClinVar contains an entry for this variant (Variation ID: 1064235). Invitae Evidence Modeling of protein sequence and biophysical properties (such as structural, functional, and spatial information, amino acid conservation, physicochemical variation, residue mobility, and thermodynamic stability) indicates that this missense variant is expected to disrupt EGFR protein function with a positive predictive value of 80%. In summary, the available evidence is currently insufficient to determine the role of this variant in disease. Therefore, it has been classified as a Variant of Uncertain Significance.

Ambry Genetics
Classification: Uncertain significance for Hereditary cancer-predisposing syndrome. Last evaluated: 2025-02-08. Review status: criteria provided, single submitter. Criteria: Ambry Variant Classification Scheme 2023. Collection method: clinical testing. Allele origin: germline.
Comment: The p.E84Q variant (also known as c.250G>C), located in coding exon 3 of the EGFR gene, results from a G to C substitution at nucleotide position 250. The glutamic acid at codon 84 is replaced by glutamine, an amino acid with highly similar properties. This amino acid position is conserved. In addition, the in silico prediction for this alteration is inconclusive. Based on the available evidence, the clinical significance of this variant remains unclear.

GeneDx
Classification: Uncertain significance. Last evaluated: 2022-04-05. Review status: criteria provided, single submitter. Criteria: GeneDx Variant Classification Process June 2021. Collection method: clinical testing. Allele origin: germline. Affected: yes.
Comment: Not observed at significant frequency in large population cohorts (gnomAD); In silico analysis supports that this missense variant has a deleterious effect on protein structure/function; Has not been previously published as pathogenic or benign to our knowledge

Dr. Peter K. Rogan Lab, Western University
No classification provided (evidence only). Condition: Clear cell carcinoma of kidney. Review status: no classification provided. Collection method: in vitro. Allele origin: not applicable. Functional consequence: retained intron. Not counted in ClinVar's aggregate classification.